The following is an entry in ClinVar:

ClinVar aggregate classification (germline): Uncertain significance (1 of 4 stars; one submission).

Conditions:
DYRK1B-related disorder. Also called: DYRK1B-related condition.

Submission:

PreventionGenetics, part of Exact Sciences
Classification: Uncertain significance for DYRK1B-related condition. Last evaluated: 2026-05-14. Review status: criteria provided, single submitter. Criteria: ACMG Guidelines, 2015. Collection method: clinical testing. Allele origin: germline.
Comment: The DYRK1B c.1229G>A variant is predicted to result in the amino acid substitution p.Arg410His. This variant has been reported in a cohort of individuals with obesity and type 2 diabetes (Table S2, Folon et al 2024. PubMed ID: 38170957); this variant has been shown to impact protein function in vitro (Figure 3, Folon et al 2024. PubMed ID: 38170957). It has not been identified in a large population database, indicating this variant is rare. At this time, the clinical significance of this variant is uncertain due to the absence of conclusive functional and genetic evidence.

NM_004714.3(DYRK1B):c.1229G>A (p.Arg410His)

Gene: DYRK1B (dual specificity tyrosine phosphorylation regulated kinase 1B; minus strand). Cytogenetic location: 19q13.2.
Variant type: single nucleotide variant.
Coding change: c.1229G>A on transcript NM_004714.3 (MANE Select); coding-DNA position 1229, G replaced by A.
Protein change: p.Arg410His; replaces arginine 410 with histidine.
Molecular consequence: missense variant.
Genome position (GRCh38, 1-based): chr19:39,826,854, C>T on the plus strand (G>A on the coding strand, the complement: DYRK1B is on the minus strand). VCF-style: chr19-39826854-C-T. GRCh37 (hg19) VCF-style: chr19-40317494-C-T.
Other names: c.1109G>A, p.Arg370His (NM_006483.3); c.1145G>A, p.Arg382His (NM_006484.3); short protein forms R370H, R382H, R410H.
Identifiers: ClinVar variation 3358716 (VCV003358716.2).